The following is an entry in ClinVar:

NM_001458.5(FLNC):c.6398G>T (p.Arg2133Leu)

Genes: FLNC (filamin C; plus strand), FLNC-AS1 (FLNC antisense RNA 1; minus strand). Cytogenetic location: 7q32.1.
Variant type: single nucleotide variant.
Coding change: c.6398G>T on transcript NM_001458.5 (MANE Select); coding-DNA position 6398, G replaced by T.
Protein change: p.Arg2133Leu; replaces arginine 2133 with leucine.
Molecular consequence: missense variant.
Genome position (GRCh38, 1-based): chr7:128,853,751, G>T. VCF-style: chr7-128853751-G-T. GRCh37 (hg19) VCF-style: chr7-128493805-G-T.
Other names: c.6299G>T, p.Arg2100Leu (NM_001127487.2); short protein forms R2100L, R2133L.
Identifiers: ClinVar variation 1481485 (VCV001481485.6), dbSNP rs1808925531, ClinGen allele CA369212460.

ClinVar aggregate classification (germline): Uncertain significance (1 of 4 stars; one submission).

Conditions:
Myofibrillar myopathy 5. Also called: Filaminopathy (type); FILAMINOPATHY, AUTOSOMAL DOMINANT. Identifiers: Orphanet 171445, MedGen C1836050, MONDO:0012289, OMIM 609524.
Distal myopathy with posterior leg and anterior hand involvement. Also called: WILLIAMS DISTAL MYOPATHY. Identifiers: Orphanet 63273, MedGen C3279722, MONDO:0013550, OMIM 614065.
Hypertrophic cardiomyopathy 26. Also called: Cardiomyopathy, familial hypertrophic, 26. Identifiers: Orphanet 75249, MedGen C4310749, MONDO:0014883, OMIM 617047.

Submission:

Labcorp Genetics (formerly Invitae), Labcorp
Classification: Uncertain significance for Distal myopathy with posterior leg and anterior hand involvement; Myofibrillar myopathy 5; Hypertrophic cardiomyopathy 26. Last evaluated: 2024-07-22. Review status: criteria provided, single submitter. Criteria: Invitae Variant Classification Sherloc (09022015). Collection method: clinical testing. Allele origin: germline.
Comment: This sequence change replaces arginine, which is basic and polar, with leucine, which is neutral and non-polar, at codon 2133 of the FLNC protein (p.Arg2133Leu). This variant is not present in population databases (gnomAD no frequency). This variant has not been reported in the literature in individuals affected with FLNC-related conditions. ClinVar contains an entry for this variant (Variation ID: 1481485). Advanced modeling of protein sequence and biophysical properties (such as structural, functional, and spatial information, amino acid conservation, physicochemical variation, residue mobility, and thermodynamic stability) has been performed at Invitae for this missense variant, however the output from this modeling did not meet the statistical confidence thresholds required to predict the impact of this variant on FLNC protein function. This variant disrupts the p.Arg2133 amino acid residue in FLNC. Other variant(s) that disrupt this residue have been observed in individuals with FLNC-related conditions (PMID: 28356264, 30411535), which suggests that this may be a clinically significant amino acid residue. In summary, the available evidence is currently insufficient to determine the role of this variant in disease. Therefore, it has been classified as a Variant of Uncertain Significance.

Literature cited by the submitters: PubMed 28356264; PubMed 30411535.